The following is an entry in ClinVar:

ClinVar aggregate classification (germline): Conflicting classifications of pathogenicity. Review status: criteria provided, conflicting classifications (1 of 4 stars). 7 submissions from 7 submitters: Uncertain significance (3); Benign (1); Likely benign (3). Last evaluated 2026-04-14.

Conditions:
Congenital contractural arachnodactyly (CCA). Also called: BEALS SYNDROME; Beals-Hecht syndrome; Arthrogryposis, distal, type 9. Identifiers: Orphanet 115, MedGen C0220668, MONDO:0007363, OMIM 121050.
Familial thoracic aortic aneurysm and aortic dissection (TAAD). Also called: Thoracic aortic aneurysms and dissections. Identifiers: Orphanet 91387, MedGen C4707243, MONDO:0019625.

Allele frequency attached by ClinVar (database versions not stated): TOPMed 0.00005; gnomAD 0.00006; ESP Exome Variant Server 0.00008.
gnomAD v4.1: 56 of 1,614,070 alleles (0.0035%); highest among the groups gnomAD compares: Middle Eastern, 0.033%; no homozygotes.

Submissions (7):

Women's Health and Genetics/Laboratory Corporation of America, LabCorp
Classification: Uncertain significance. Last evaluated: 2026-04-14. Review status: criteria provided, single submitter. Criteria: LabCorp Variant Classification Summary - May 2015. Collection method: clinical testing. Allele origin: germline.
Comment: Variant summary: FBN2 c.1411G>A (p.Val471Ile) results in a conservative amino acid change in the encoded protein sequence. Algorithms developed to predict the effect of missense changes on protein structure and function all suggest that this variant is likely to be tolerated. The variant allele was found at a frequency of 4e-05 in 251076 control chromosomes. This frequency is not significantly higher than estimated for disease-causing variants in FBN2, allowing no conclusion about variant significance. To our knowledge, no occurrence of c.1411G>A in individuals affected with FBN2-related conditions and no experimental evidence demonstrating its impact on protein function have been reported. ClinVar contains an entry for this variant (Variation ID: 665241). Based on the evidence outlined above, the variant was classified as uncertain significance.

Labcorp Genetics (formerly Invitae), Labcorp
Classification: Benign for Congenital contractural arachnodactyly. Last evaluated: 2025-06-14. Review status: criteria provided, single submitter. Criteria: Invitae Variant Classification Sherloc (09022015). Collection method: clinical testing. Allele origin: germline.

Ambry Genetics
Classification: Likely benign for Familial thoracic aortic aneurysm and aortic dissection. Last evaluated: 2025-04-09. Review status: criteria provided, single submitter. Criteria: Ambry Variant Classification Scheme 2023. Collection method: clinical testing. Allele origin: germline.

GeneDx
Classification: Uncertain significance. Last evaluated: 2024-12-14. Review status: criteria provided, single submitter. Criteria: GeneDx Variant Classification Process June 2021. Collection method: clinical testing. Allele origin: germline. Affected: yes.
Comment: In silico analysis indicates that this missense variant does not alter protein structure/function; Has not been previously published as pathogenic or benign to our knowledge

CeGaT Center for Human Genetics Tuebingen
Classification: Likely benign. Last evaluated: 2024-09-01. Review status: criteria provided, single submitter. Criteria: CeGaT Center For Human Genetics Tuebingen Variant Classification Criteria Version 2. Collection method: clinical testing. Allele origin: germline. Affected: yes. Observed: 1 variant allele.
Comment: FBN2: BP4

Blueprint Genetics
Classification: Likely benign. Last evaluated: 2024-07-02. Review status: criteria provided, single submitter. Criteria: ACMG Guidelines, 2015. Collection method: clinical testing. Allele origin: germline.

Breakthrough Genomics
Classification: Uncertain significance. Review status: criteria provided, single submitter. Criteria: ACMG Guidelines, 2015. Collection method: not provided. Allele origin: germline. Inheritance: Autosomal dominant inheritance. Affected: yes.

NM_001999.4(FBN2):c.1411G>A (p.Val471Ile)

Gene: FBN2 (fibrillin 2; minus strand). Cytogenetic location: 5q23.3.
Variant type: single nucleotide variant.
Coding change: c.1411G>A on transcript NM_001999.4 (MANE Select); coding-DNA position 1411, G replaced by A.
Protein change: p.Val471Ile; replaces valine 471 with isoleucine.
Molecular consequence: missense variant.
Genome position (GRCh38, 1-based): chr5:128,393,189, C>T on the plus strand (G>A on the coding strand, the complement: FBN2 is on the minus strand). VCF-style: chr5-128393189-C-T. GRCh37 (hg19) VCF-style: chr5-127728882-C-T.
Other names: short protein forms V471I.
Identifiers: ClinVar variation 665241 (VCV000665241.25), dbSNP rs138046782, ClinGen allele CA3395807.